The following is an entry in ClinVar:

ClinVar aggregate classification (germline): Uncertain significance (1 of 4 stars; one submission).

Submission:

GeneDx
Classification: Uncertain significance. Last evaluated: 2024-02-25. Review status: criteria provided, single submitter. Criteria: GeneDx Variant Classification Process June 2021. Collection method: clinical testing. Allele origin: germline. Affected: yes.
Comment: Not observed at significant frequency in large population cohorts (gnomAD); In silico analysis supports that this missense variant does not alter protein structure/function; Has not been previously published as pathogenic or benign to our knowledge

NM_001394372.1(BICRA):c.2504T>G (p.Phe835Cys)

Gene: BICRA (BRD4 interacting chromatin remodeling complex associated protein; plus strand). Cytogenetic location: 19q13.33.
Variant type: single nucleotide variant.
Coding change: c.2504T>G on transcript NM_001394372.1 (MANE Select); coding-DNA position 2504, T replaced by G.
Protein change: p.Phe835Cys; replaces phenylalanine 835 with cysteine.
Molecular consequence: missense variant.
Genome position (GRCh38, 1-based): chr19:47,694,335, T>G. VCF-style: chr19-47694335-T-G. GRCh37 (hg19) VCF-style: chr19-48197592-T-G.
Other names: c.2504T>G, p.Phe835Cys (NM_015711.3); short protein forms F835C.
Identifiers: ClinVar variation 3369675 (VCV003369675.1).